The following is an entry in ClinVar:

NM_001166108.2(PALLD):c.1886G>C (p.Ser629Thr)

Gene: PALLD (palladin, cytoskeletal associated protein; plus strand). Cytogenetic location: 4q32.3.
Variant type: single nucleotide variant.
Coding change: c.1886G>C on transcript NM_001166108.2 (MANE Select); coding-DNA position 1886, G replaced by C.
Protein change: p.Ser629Thr; replaces serine 629 with threonine.
Molecular consequence: missense variant.
Genome position (GRCh38, 1-based): chr4:168,711,845, G>C. VCF-style: chr4-168711845-G-C. GRCh37 (hg19) VCF-style: chr4-169632996-G-C.
Other names: c.740G>C, p.Ser247Thr (NM_001166109.2); c.1886G>C, p.Ser629Thr (NM_016081.4); short protein forms S629T, S247T.
Identifiers: ClinVar variation 3304033 (VCV003304033.1).
Genomic context (GRCh38, chr4:168,711,845, plus strand): 5'-AAACGAACGGAGTCCATCCCAGCCGTGGAGTAAATGGACTGATTAACGGCAAAGCTAACA[G>C]TAATAAATCTCTTCCAACACCAGCTGTCCTGCTTTCACCCACTAAGGAGCCACCACCTCT-3'
Protein context (NP_001159580.1, residues 619-639): VNGLINGKAN[Ser629Thr]NKSLPTPAVL

ClinVar aggregate classification (germline): Uncertain significance (1 of 4 stars; one submission).

gnomAD v4.1: 2 of 1,614,140 alleles (0.00012%); highest among the groups gnomAD compares: Admixed American, 0.0017%; no homozygotes.

Submission:

Ambry Genetics
Classification: Uncertain significance. Last evaluated: 2024-06-12. Review status: criteria provided, single submitter. Criteria: Ambry Variant Classification Scheme 2023. Collection method: clinical testing. Allele origin: germline.
Comment: The p.S629T variant (also known as c.1886G>C), located in coding exon 9 of the PALLD gene, results from a G to C substitution at nucleotide position 1886. The serine at codon 629 is replaced by threonine, an amino acid with similar properties. This amino acid position is conserved. In addition, this alteration is predicted to be tolerated by in silico analysis. Based on the available evidence, the clinical significance of this variant remains unclear.